The following is an entry in ClinVar:

ClinVar aggregate classification (germline): Benign. Review status: criteria provided, multiple submitters, no conflicts (2 of 4 stars). 5 submissions from 5 submitters: Benign (5). Last evaluated 2026-09-01.

Allele frequency attached by ClinVar (database versions not stated): 1000 Genomes Project 30x 0.00312; 1000 Genomes Project 0.00319; TOPMed 0.00491; gnomAD 0.00504 and 0.00535; ExAC 0.00535; gnomAD exomes 0.00565.
gnomAD v4.1: 7,622 of 1,509,734 alleles (0.5%); highest among the groups gnomAD compares: Middle Eastern, 2.8%; 42 homozygotes.

Submissions (5):

CeGaT Center for Human Genetics Tuebingen
Classification: Benign. Last evaluated: 2026-09-01. Review status: criteria provided, single submitter. Criteria: CeGaT Center For Human Genetics Tuebingen Variant Classification Criteria Version 2. Collection method: clinical testing. Allele origin: germline. Affected: yes. Observed: 22 variant alleles.
Comment: NEFH: BP4, BP7, BS1, BS2

Labcorp Genetics (formerly Invitae), Labcorp
Classification: Benign. Last evaluated: 2026-02-03. Review status: criteria provided, single submitter. Criteria: Invitae Variant Classification Sherloc (09022015). Collection method: clinical testing. Allele origin: germline.

Mayo Clinic Laboratories, Mayo Clinic
Classification: Benign. Last evaluated: 2023-02-10. Review status: criteria provided, single submitter. Criteria: ACMG Guidelines, 2015. Collection method: clinical testing. Allele origin: germline. Observed: 15 variant alleles.
Comment: BS1, BS2, BP4, BP7

GeneDx
Classification: Benign. Last evaluated: 2021-05-18. Review status: criteria provided, single submitter. Criteria: GeneDx Variant Classification Process June 2021. Collection method: clinical testing. Allele origin: germline. Affected: yes.

Breakthrough Genomics
Classification: Benign. Review status: criteria provided, single submitter. Criteria: ACMG Guidelines, 2015. Collection method: not provided. Allele origin: germline. Inheritance: Autosomal recessive inheritance. Affected: yes.

NM_021076.4(NEFH):c.21G>A (p.Ala7=)

Gene: NEFH (neurofilament heavy chain; plus strand). Cytogenetic location: 22q12.2.
Variant type: single nucleotide variant.
Coding change: c.21G>A on transcript NM_021076.4 (MANE Select); coding-DNA position 21, G replaced by A.
Protein change: p.Ala7=; no amino-acid change (alanine 7 retained).
Molecular consequence: synonymous variant.
Genome position (GRCh38, 1-based): chr22:29,480,283, G>A. VCF-style: chr22-29480283-G-A. GRCh37 (hg19) VCF-style: chr22-29876272-G-A.
Other names: p.Ala7=.
Identifiers: ClinVar variation 774538 (VCV000774538.37), dbSNP rs192350983, ClinGen allele CA10173953.